The following is an entry in ClinVar:

ClinVar aggregate classification (germline): Benign/Likely benign. Review status: criteria provided, multiple submitters, no conflicts (2 of 4 stars). 9 submissions from 9 submitters: Benign (1); Likely benign (7). 1 of the submissions does not count toward it. Last evaluated 2026-02-03.

Conditions:
SCN2A-related disorder. Also called: SCN2A-related condition; SCN2A-related disorders. Identifiers: MedGen CN382226, MONDO:1060245.
Inborn genetic diseases. Identifiers: MedGen C0950123, MeSH D030342.
Developmental and epileptic encephalopathy, 11 (DEE11). Also called: Early infantile epileptic encephalopathy 11. Identifiers: Orphanet 1934, MedGen C3150987, MONDO:0013388, OMIM 613721.
Seizures, benign familial infantile, 3 (BFIS3). Also called: CONVULSIONS, BENIGN FAMILIAL INFANTILE, 3; Familial neonatal seizures. Identifiers: Orphanet 140927, Orphanet 306, MedGen C1843140, MONDO:0011904, OMIM 607745.

Allele frequency attached by ClinVar (database versions not stated): gnomAD 0.00006; TOPMed 0.00006; ESP Exome Variant Server 0.00023.
gnomAD v4.1: 125 of 1,613,872 alleles (0.0077%); highest among the groups gnomAD compares: Middle Eastern, 0.033%; no homozygotes.

Submissions (9):

Labcorp Genetics (formerly Invitae), Labcorp
Classification: Likely benign for Seizures, benign familial infantile, 3; Developmental and epileptic encephalopathy, 11. Last evaluated: 2026-02-03. Review status: criteria provided, single submitter. Criteria: Invitae Variant Classification Sherloc (09022015). Collection method: clinical testing. Allele origin: germline.

Mayo Clinic Laboratories, Mayo Clinic
Classification: Likely benign. Last evaluated: 2025-08-22. Review status: criteria provided, single submitter. Criteria: ACMG Guidelines, 2015. Collection method: clinical testing. Allele origin: germline. Observed: 1 variant allele.

Blueprint Genetics
Classification: Likely benign. Last evaluated: 2024-06-10. Review status: criteria provided, single submitter. Criteria: ACMG Guidelines, 2015. Collection method: clinical testing. Allele origin: germline.

CeGaT Center for Human Genetics Tuebingen
Classification: Likely benign. Last evaluated: 2023-02-01. Review status: criteria provided, single submitter. Criteria: CeGaT Center For Human Genetics Tuebingen Variant Classification Criteria Version 2. Collection method: clinical testing. Allele origin: germline. Affected: yes. Observed: 1 variant allele.
Comment: SCN2A: BS2

Ambry Genetics
Classification: Likely benign for Inborn genetic diseases. Last evaluated: 2022-09-15. Review status: criteria provided, single submitter. Criteria: Ambry Variant Classification Scheme 2023. Collection method: clinical testing. Allele origin: germline.

GeneDx
Classification: Likely benign. Last evaluated: 2021-02-23. Review status: criteria provided, single submitter. Criteria: GeneDx Variant Classification Process June 2021. Collection method: clinical testing. Allele origin: germline. Affected: yes.

Illumina Laboratory Services, Illumina
Classification: Benign for Seizures, benign familial infantile, 3. Last evaluated: 2018-01-12. Review status: criteria provided, single submitter. Criteria: ICSL Variant Classification Criteria 13 December 2019. Collection method: clinical testing. Allele origin: germline.
Comment: This variant was observed in the ICSL laboratory as part of a predisposition screen in an ostensibly healthy population. It had not been previously curated by ICSL or reported in the Human Gene Mutation Database (HGMD: prior to June 1st, 2018), and was therefore a candidate for classification through an automated scoring system. Utilizing variant allele frequency, disease prevalence and penetrance estimates, and inheritance mode, an automated score was calculated to assess if this variant is too frequent to cause the disease. Based on the score and internal cut-off values, a variant classified as benign is not then subjected to further curation. The score for this variant resulted in a classification of benign for this disease.

Athena Diagnostics
Classification: Likely benign. Last evaluated: 2017-07-03. Review status: criteria provided, single submitter. Criteria: Athena Diagnostics Criteria. Collection method: clinical testing. Allele origin: germline.

PreventionGenetics, part of Exact Sciences
Classification: Likely benign for SCN2A-related condition. Last evaluated: 2020-09-11. Review status: no assertion criteria provided. Collection method: clinical testing. Allele origin: germline. Not counted in ClinVar's aggregate classification.
Comment: This variant is classified as likely benign based on ACMG/AMP sequence variant interpretation guidelines (Richards et al. 2015 PMID: 25741868, with internal and published modifications).

Literature cited by the submitters: PubMed 34791078 (cited by Mayo Clinic Laboratories, Mayo Clinic).

NM_001040142.2(SCN2A):c.1976G>A (p.Gly659Asp)

Gene: SCN2A (sodium voltage-gated channel alpha subunit 2; plus strand). Cytogenetic location: 2q24.3.
Variant type: single nucleotide variant.
Coding change: c.1976G>A on transcript NM_001040142.2 (MANE Select); coding-DNA position 1976, G replaced by A.
Protein change: p.Gly659Asp; replaces glycine 659 with aspartic acid.
Molecular consequence: missense variant.
Genome position (GRCh38, 1-based): chr2:165,323,460, G>A. VCF-style: chr2-165323460-G-A. GRCh37 (hg19) VCF-style: chr2-166179970-G-A.
Other names: p.G659D:GGC>GAC; c.1976G>A, p.Gly659Asp (NM_001040143.2, NM_001371246.1, NM_001371247.1 and 1 more transcripts); short protein forms G659D.
Identifiers: ClinVar variation 207069 (VCV000207069.43), dbSNP rs368887417, ClinGen allele CA318159.